The following is an entry in ClinVar:

NM_001142800.2(EYS):c.4373C>G (p.Thr1458Ser)

Gene: EYS (eyes shut homolog; minus strand). Cytogenetic location: 6q12.
Variant type: single nucleotide variant.
Coding change: c.4373C>G on transcript NM_001142800.2 (MANE Select); coding-DNA position 4373, C replaced by G.
Protein change: p.Thr1458Ser; replaces threonine 1458 with serine.
Molecular consequence: missense variant.
Genome position (GRCh38, 1-based): chr6:64,591,494, G>C on the plus strand (C>G on the coding strand, the complement: EYS is on the minus strand). VCF-style: chr6-64591494-G-C. GRCh37 (hg19) VCF-style: chr6-65301387-G-C.
Other names: c.4373C>G, p.Thr1458Ser (NM_001292009.2); short protein forms T1458S.
Identifiers: ClinVar variation 2422067 (VCV002422067.3), dbSNP rs1404205429, ClinGen allele CA364783464.

ClinVar aggregate classification (germline): Uncertain significance (1 of 4 stars; one submission).

Allele frequency attached by ClinVar (database versions not stated): TOPMed below 0.00001; gnomAD 0.00001.
gnomAD v4.1: 1 of 1,551,230 alleles (0.000064%); highest among the groups gnomAD compares: Non-Finnish European, 0.000087%; no homozygotes.

Submission:

Labcorp Genetics (formerly Invitae), Labcorp
Classification: Uncertain significance. Last evaluated: 2022-06-03. Review status: criteria provided, single submitter. Criteria: Invitae Variant Classification Sherloc (09022015). Collection method: clinical testing. Allele origin: germline.
Comment: This sequence change replaces threonine, which is neutral and polar, with serine, which is neutral and polar, at codon 1458 of the EYS protein (p.Thr1458Ser). This variant is not present in population databases (gnomAD no frequency). This variant has not been reported in the literature in individuals affected with EYS-related conditions. Algorithms developed to predict the effect of missense changes on protein structure and function output the following: SIFT: "Tolerated"; PolyPhen-2: "Benign"; Align-GVGD: "Class C0". The serine amino acid residue is found in multiple mammalian species, which suggests that this missense change does not adversely affect protein function. In summary, the available evidence is currently insufficient to determine the role of this variant in disease. Therefore, it has been classified as a Variant of Uncertain Significance.